The following is an entry in ClinVar:

ClinVar aggregate classification (germline): Benign/Likely benign. Review status: criteria provided, multiple submitters, no conflicts (2 of 4 stars). 9 submissions from 9 submitters: Benign (4); Likely benign (2). 3 of the submissions do not count toward it. Last evaluated 2026-02-02.

Conditions:
Developmental and epileptic encephalopathy, 42 (DEE42A). Also called: DEVELOPMENTAL AND EPILEPTIC ENCEPHALOPATHY 42A; EPILEPTIC ENCEPHALOPATHY, EARLY INFANTILE, 42A; Epileptic encephalopathy, early infantile, 42. Identifiers: MedGen C4310716, MONDO:0014917, OMIM 617106.
Episodic ataxia type 2 (EA2). Also called: ATAXIA, EPISODIC, WITH NYSTAGMUS; ATAXIA, FAMILIAL PAROXYSMAL; CEREBELLAR ATAXIA, PAROXYSMAL, ACETAZOLAMIDE-RESPONSIVE; CEREBELLOPATHY, HEREDITARY PAROXYSMAL; EPISODIC ATAXIA, NYSTAGMUS-ASSOCIATED; ACETAZOLAMIDE-RESPONSIVE HEREDITARY PAROXYSMAL CEREBELLAR ATAXIA. Identifiers: Orphanet 97, MedGen C1720416, MONDO:0007163, OMIM 108500.

Allele frequency attached by ClinVar (database versions not stated): ESP Exome Variant Server 0.00073; 1000 Genomes Project 0.00080; 1000 Genomes Project 30x 0.00125; ExAC 0.00145; TOPMed 0.00158; gnomAD 0.00199 and 0.00213; gnomAD exomes 0.00218 and 0.00246.
gnomAD v4.1: 3,679 of 1,543,492 alleles (0.24%); highest among the groups gnomAD compares: Non-Finnish European, 0.27%; 9 homozygotes.

Submissions (9):

Labcorp Genetics (formerly Invitae), Labcorp
Classification: Benign for Developmental and epileptic encephalopathy, 42; Episodic ataxia type 2. Last evaluated: 2026-02-02. Review status: criteria provided, single submitter. Criteria: Invitae Variant Classification Sherloc (09022015). Collection method: clinical testing. Allele origin: germline.

Athena Diagnostics
Classification: Benign. Last evaluated: 2025-11-03. Review status: criteria provided, single submitter. Criteria: Athena Diagnostics Criteria. Collection method: clinical testing. Allele origin: unknown.
Comment: The frequency of this variant in the general population is higher than would generally be expected for pathogenic variants in this gene.

CeGaT Center for Human Genetics Tuebingen
Classification: Benign. Last evaluated: 2025-09-01. Review status: criteria provided, single submitter. Criteria: CeGaT Center For Human Genetics Tuebingen Variant Classification Criteria Version 2. Collection method: clinical testing. Allele origin: germline. Affected: yes. Observed: 21 variant alleles.
Comment: CACNA1A: BP4, BS1, BS2

Blueprint Genetics
Classification: Likely benign. Last evaluated: 2024-10-24. Review status: criteria provided, single submitter. Criteria: ACMG Guidelines, 2015. Collection method: clinical testing. Allele origin: germline.

GeneDx
Classification: Likely benign. Last evaluated: 2018-01-05. Review status: criteria provided, single submitter. Criteria: GeneDx Variant Classification (06012015). Collection method: clinical testing. Allele origin: germline. Affected: yes.
Comment: This variant is considered likely benign or benign based on one or more of the following criteria: it is a conservative change, it occurs at a poorly conserved position in the protein, it is predicted to be benign by multiple in silico algorithms, and/or has population frequency not consistent with disease.

PreventionGenetics, part of Exact Sciences
Classification: Benign. Review status: criteria provided, single submitter. Criteria: ACMG Guidelines, 2015. Collection method: clinical testing. Allele origin: germline.

Clinical Genetics DNA and cytogenetics Diagnostics Lab, Erasmus MC, Erasmus Medical Center
Classification: Likely benign. Review status: no assertion criteria provided. Collection method: clinical testing. Allele origin: germline. Affected: yes. Study: VKGL Data-share Consensus. Not counted in ClinVar's aggregate classification.

Genome Diagnostics Laboratory, University Medical Center Utrecht
Classification: Benign. Review status: no assertion criteria provided. Collection method: clinical testing. Allele origin: germline. Affected: yes. Study: VKGL Data-share Consensus. Not counted in ClinVar's aggregate classification.

Laboratory of Diagnostic Genome Analysis, Leiden University Medical Center (LUMC)
Classification: Likely benign. Review status: no assertion criteria provided. Collection method: clinical testing. Allele origin: germline. Affected: yes. Study: VKGL Data-share Consensus. Not counted in ClinVar's aggregate classification.

Literature cited by the submitters: PubMed 29486580 (cited by Athena Diagnostics).

NM_001127222.2(CACNA1A):c.1345+7C>T

Gene: CACNA1A (calcium voltage-gated channel subunit alpha1 A; minus strand). Cytogenetic location: 19p13.13.
Variant type: single nucleotide variant.
Coding change: c.1345+7C>T on transcript NM_001127222.2 (MANE Select); 7 bases into the intron after coding-DNA position 1345, C replaced by T.
Molecular consequence: intron variant.
Genome position (GRCh38, 1-based): chr19:13,330,237, G>A on the plus strand (C>T on the coding strand, the complement: CACNA1A is on the minus strand). VCF-style: chr19-13330237-G-A. GRCh37 (hg19) VCF-style: chr19-13441051-G-A.
Other names: c.1348+7C>T (NM_001127221.2, NM_001174080.2, NM_000068.4 and 1 more transcripts).
Identifiers: ClinVar variation 257507 (VCV000257507.47), dbSNP rs192536793, ClinGen allele CA9240849.